The following is an entry in ClinVar:

NM_023110.3(FGFR1):c.61G>A (p.Ala21Thr)

Gene: FGFR1 (fibroblast growth factor receptor 1; minus strand). Cytogenetic location: 8p11.23.
Variant type: single nucleotide variant.
Coding change: c.61G>A on transcript NM_023110.3 (MANE Select); coding-DNA position 61, G replaced by A.
Protein change: p.Ala21Thr; replaces alanine 21 with threonine.
Molecular consequence: missense variant. On other transcripts: 5 prime UTR variant (1).
Genome position (GRCh38, 1-based): chr8:38,457,386, C>T on the plus strand (G>A on the coding strand, the complement: FGFR1 is on the minus strand). VCF-style: chr8-38457386-C-T. GRCh37 (hg19) VCF-style: chr8-38314904-C-T.
Other names: c.61G>A, p.Ala21Thr (NM_001174063.2, NM_001174065.2, NM_001174066.2 and 7 more transcripts); c.-32G>A (NM_001174064.2); c.160G>A, p.Ala54Thr (NM_001174067.2); short protein forms A21T, A54T.
Identifiers: ClinVar variation 1303479 (VCV001303479.3), dbSNP rs1383262590, ClinGen allele CA370767174.

ClinVar aggregate classification (germline): Uncertain significance (1 of 4 stars; one submission).

Allele frequency attached by ClinVar (database versions not stated): gnomAD exomes below 0.00001 and 0.00001.
gnomAD v4.1: 23 of 1,613,788 alleles (0.0014%); highest among the groups gnomAD compares: Non-Finnish European, 0.0018%; no homozygotes.

Submission:

GeneDx
Classification: Uncertain significance. Last evaluated: 2021-12-13. Review status: criteria provided, single submitter. Criteria: GeneDx Variant Classification Process June 2021. Collection method: clinical testing. Allele origin: germline. Affected: yes.
Comment: Reported in a patient with congenital anomalies of the kidney and urinary tract in published literature (Nicolaou et al., 2016); Not observed at a significant frequency in large population cohorts (Lek et al., 2016); In silico analysis supports that this missense variant has a deleterious effect on protein structure/function; This variant is associated with the following publications: (PMID: 26489027)